The following is an entry in ClinVar:

NM_001048174.2(MUTYH):c.518T>C (p.Met173Thr)

Gene: MUTYH (mutY DNA glycosylase; minus strand). Cytogenetic location: 1p34.1.
Variant type: single nucleotide variant.
Coding change: c.518T>C on transcript NM_001048174.2 (MANE Select); coding-DNA position 518, T replaced by C.
Protein change: p.Met173Thr; replaces methionine 173 with threonine.
Molecular consequence: missense variant. On other transcripts: non-coding transcript variant (2).
Genome position (GRCh38, 1-based): chr1:45,332,662, A>G on the plus strand (T>C on the coding strand, the complement: MUTYH is on the minus strand). VCF-style: chr1-45332662-A-G. GRCh37 (hg19) VCF-style: chr1-45798334-A-G.
Other names: c.518T>C, p.Met173Thr (NM_001048171.2, NM_001048173.2, NM_001293195.2); c.521T>C, p.Met174Thr (NM_001048172.2); c.602T>C, p.Met201Thr (NM_001128425.2); c.563T>C, p.Met188Thr (NM_001293190.2); c.551T>C, p.Met184Thr (NM_001293191.2); c.242T>C, p.Met81Thr (NM_001293192.2, NM_001293196.2); c.173T>C, p.Met58Thr (NM_001350650.2, NM_001350651.2); c.593T>C, p.Met198Thr (NM_012222.3); short protein forms M201T, M81T, M174T, M184T, M173T, M188T, M198T, M58T.
Identifiers: ClinVar variation 464733 (VCV000464733.13), dbSNP rs1553128600, ClinGen allele CA340135419.

ClinVar aggregate classification (germline): Uncertain significance. Review status: criteria provided, multiple submitters, no conflicts (2 of 4 stars). 3 submissions from 3 submitters: Uncertain significance (3). Last evaluated 2026-01-14.

Conditions:
Hereditary cancer-predisposing syndrome. Also called: Neoplastic Syndromes, Hereditary; Tumor predisposition; Hereditary neoplastic syndrome; Hereditary Cancer Syndrome. Identifiers: Orphanet 140162, MedGen C0027672, MeSH D009386, MONDO:0015356.
Familial adenomatous polyposis 2. Also called: COLORECTAL ADENOMATOUS POLYPOSIS, AUTOSOMAL RECESSIVE; ADENOMAS, MULTIPLE COLORECTAL, AUTOSOMAL RECESSIVE; MUTYH-associated polyposis; FAP type 2; MUTYH-related attenuated familial adenomatous polyposis; Adenomas, multiple colorectal. Identifiers: Orphanet 220460, Orphanet 247798, MedGen C3272841, MONDO:0012041, OMIM 608456.

Allele frequency attached by ClinVar (database versions not stated): gnomAD exomes below 0.00001.

Submissions (3):

Labcorp Genetics (formerly Invitae), Labcorp
Classification: Uncertain significance for Familial adenomatous polyposis 2. Last evaluated: 2026-01-14. Review status: criteria provided, single submitter. Criteria: Invitae Variant Classification Sherloc (09022015). Collection method: clinical testing. Allele origin: germline.
Comment: This sequence change replaces methionine, which is neutral and non-polar, with threonine, which is neutral and polar, at codon 201 of the MUTYH protein (p.Met201Thr). This variant is not present in population databases (gnomAD no frequency). This variant has not been reported in the literature in individuals affected with MUTYH-related conditions. ClinVar contains an entry for this variant (Variation ID: 464733). An algorithm developed to predict the effect of missense changes on protein structure and function (PolyPhen-2) suggests that this variant is likely to be disruptive. In summary, the available evidence is currently insufficient to determine the role of this variant in disease. Therefore, it has been classified as a Variant of Uncertain Significance.

Ambry Genetics
Classification: Uncertain significance for Hereditary cancer-predisposing syndrome. Last evaluated: 2024-07-13. Review status: criteria provided, single submitter. Criteria: Ambry Variant Classification Scheme 2023. Collection method: clinical testing. Allele origin: germline.
Comment: The p.M201T variant (also known as c.602T>C), located in coding exon 8 of the MUTYH gene, results from a T to C substitution at nucleotide position 602. The methionine at codon 201 is replaced by threonine, an amino acid with similar properties. This amino acid position is poorly conserved in available vertebrate species. In addition, the in silico prediction for this alteration is inconclusive. Since supporting evidence is limited at this time, the clinical significance of this alteration remains unclear.

Women's Health and Genetics/Laboratory Corporation of America, LabCorp
Classification: Uncertain significance. Last evaluated: 2022-02-21. Review status: criteria provided, single submitter. Criteria: LabCorp Variant Classification Summary - May 2015. Collection method: clinical testing. Allele origin: germline.